The following is an entry in ClinVar:

ClinVar aggregate classification (germline): Pathogenic. Review status: no assertion criteria provided (0 of 4 stars). 2 submissions from 2 submitters: Pathogenic (2). Last evaluated 2025-11-06.

Conditions:
X-linked intellectual disability, van Esch type. Also called: MENTAL RETARDATION, X-LINKED, SYNDROMIC, VAN ESCH-O''DRISCOLL TYPE; Van Esch-O'Driscoll syndrome. Identifiers: Orphanet 163976, MedGen C4305072, MONDO:0015601, OMIM 301030.

Submissions (2):

OMIM
Classification: Pathogenic for VAN ESCH-O'DRISCOLL SYNDROME. Last evaluated: 2025-11-06. Review status: no assertion criteria provided. Collection method: literature only. Allele origin: germline.

Center for Human Genetics, University of Leuven
Classification: Pathogenic for X-linked intellectual disability, Van Esch type. Last evaluated: 2019-02-01. Review status: no assertion criteria provided. Collection method: research. Allele origin: inherited. Affected: yes. Observed: 5 variant alleles.
Comment: We performed segregation analysis, X-inactivation studies, Western blot and functional studies that support a clear pathogenic effect. Family A was reported PMID: 16053905

Literature cited by the submitters: PubMed 31006512 (cited by OMIM and Center for Human Genetics, University of Leuven).

NM_001330360.2(POLA1):c.254T>G (p.Ile85Ser)

Gene: POLA1 (DNA polymerase alpha 1, catalytic subunit; plus strand). Cytogenetic location: Xp22.11.
Variant type: single nucleotide variant.
Coding change: c.254T>G on transcript NM_001330360.2 (MANE Select); coding-DNA position 254, T replaced by G.
Protein change: p.Ile85Ser; replaces isoleucine 85 with serine.
Molecular consequence: missense variant.
Genome position (GRCh38, 1-based): chrX:24,703,336, T>G. VCF-style: chrX-24703336-T-G. GRCh37 (hg19) VCF-style: chrX-24721453-T-G.
Other names: c.236T>G, p.Ile79Ser (NM_016937.4); short protein forms I79S, I85S.
Identifiers: ClinVar variation 627632 (VCV000627632.5), dbSNP rs1569271378, ClinGen allele CA412610249.